The following is an entry in ClinVar:

ClinVar aggregate classification (germline): Likely pathogenic (1 of 4 stars; one submission).

Conditions:
Neonatal-onset encephalopathy with rigidity and seizures. Also called: Lethal neonatal spasticity-epileptic encephalopathy syndrome. Identifiers: Orphanet 435845, MedGen C3281029, MONDO:0013784, OMIM 614498.

Allele frequency attached by ClinVar (database versions not stated): gnomAD exomes below 0.00001; TOPMed below 0.00001; gnomAD 0.00001.
gnomAD v4.1: 2 of 1,601,394 alleles (0.00012%); highest among the groups gnomAD compares: Admixed American, 0.0017%; no homozygotes.

Submission:

Labcorp Genetics (formerly Invitae), Labcorp
Classification: Likely pathogenic for Neonatal-onset encephalopathy with rigidity and seizures. Last evaluated: 2023-12-11. Review status: criteria provided, single submitter. Criteria: Invitae Variant Classification Sherloc (09022015). Collection method: clinical testing. Allele origin: germline.
Comment: This sequence change affects an acceptor splice site in intron 12 of the BRAT1 gene. It is expected to disrupt RNA splicing. Variants that disrupt the donor or acceptor splice site typically lead to a loss of protein function (PMID: 16199547), and loss-of-function variants in BRAT1 are known to be pathogenic (PMID: 22279524, 25500575). This variant is not present in population databases (gnomAD no frequency). This variant has not been reported in the literature in individuals affected with BRAT1-related conditions. Algorithms developed to predict the effect of sequence changes on RNA splicing suggest that this variant may disrupt the consensus splice site. In summary, the currently available evidence indicates that the variant is pathogenic, but additional data are needed to prove that conclusively. Therefore, this variant has been classified as Likely Pathogenic.

Literature cited by the submitters: PubMed 16199547; PubMed 22279524; PubMed 25500575.

NM_152743.4(BRAT1):c.1598-1G>A

Gene: BRAT1 (BRCA1 associated ATM activator 1; minus strand). Cytogenetic location: 7p22.3.
Variant type: single nucleotide variant.
Coding change: c.1598-1G>A on transcript NM_152743.4 (MANE Select); the canonical splice acceptor site of the intron before coding-DNA position 1598, G replaced by A.
Molecular consequence: splice acceptor variant.
Genome position (GRCh38, 1-based): chr7:2,539,352, C>T on the plus strand (G>A on the coding strand, the complement: BRAT1 is on the minus strand). VCF-style: chr7-2539352-C-T. GRCh37 (hg19) VCF-style: chr7-2578986-C-T.
Other names: c.1073-1G>A (NM_001350627.2); c.1598-1G>A (NM_001350626.2).
Identifiers: ClinVar variation 2809149 (VCV002809149.3), dbSNP rs1778960981, ClinGen allele CA366627432.
Genomic context (GRCh38, chr7:2,539,352, plus strand): 5'-GCTGCAGGGCCAGCTGAGGCACCTCTGAAGCCAAGAGTGCGCATCTGAAGTCAGCCTGTC[C>T]TGGGGGTCGAAACGGCCACATGCAGCTGTGACTGAGGGCCGAGCCTTGTCGCCTCGGCCT-3'